The following is an entry in ClinVar:

ClinVar aggregate classification (germline): Pathogenic. Review status: criteria provided, multiple submitters, no conflicts (2 of 4 stars). 2 submissions from 2 submitters: Pathogenic (2). Last evaluated 2024-01-10.

Conditions:
Inborn genetic diseases. Identifiers: MedGen C0950123, MeSH D030342.
Basilicata-Akhtar syndrome. Also called: MENTAL RETARDATION, X-LINKED, SYNDROMIC, BASILICATA-AKHTAR TYPE; INTELLECTUAL DEVELOPMENTAL DISORDER, X-LINKED, SYNDROMIC, 36. Identifiers: MedGen C5231394, MONDO:0026730, OMIM 301032.

Submissions (2):

Ambry Genetics
Classification: Pathogenic for Inborn genetic diseases. Last evaluated: 2024-01-10. Review status: criteria provided, single submitter. Criteria: Ambry Variant Classification Scheme 2023. Collection method: clinical testing. Allele origin: germline.
Comment: The c.1125_1141dup17 (p.M381Rfs*30) alteration, located in coding exon 9 of the MSL3 gene, consists of a duplication of 17 nucleotides, causing a translational frameshift with a predicted alternate stop codon after 30 amino acids. This alteration is expected to result in loss of function by premature protein truncation or nonsense-mediated mRNA decay. This variant was not reported in population-based cohorts in the Genome Aggregation Database (gnomAD). Based on the available evidence, this alteration is classified as pathogenic.

Laboratory Cellgenetics, GMDL Cellgenetics
Classification: Pathogenic for Basilicata-Akhtar syndrome. Review status: criteria provided, single submitter. Criteria: ACMG Guidelines, 2015. Collection method: clinical testing. Allele origin: unknown. Inheritance: X-linked dominant inheritance. Affected: yes. Observed: 1 hemizygote.

Literature cited by the submitters: PubMed 30224647 (cited by Ambry Genetics).

NM_078629.4(MSL3):c.1125_1141dup (p.Met381fs)

Gene: MSL3 (MSL complex subunit 3; plus strand). Cytogenetic location: Xp22.2.
Variant type: Duplication.
Coding change: c.1125_1141dup on transcript NM_078629.4 (MANE Select); coding-DNA positions 1125 to 1141, 17 bases duplicated (GGACACATCCGCCAGCA).
Protein change: p.Met381fs; shifts the reading frame from methionine 381.
Molecular consequence: frameshift variant.
Genome position (GRCh38, 1-based): chrX:11,765,683-11,765,699, GGACACATCCGCCAGCA duplicated; duplicating any 17 consecutive bases within chrX:11,765,678-11,765,699 gives the same sequence; the c. name uses the placement nearest the transcript's 3' end. VCF-style (leftmost placement, unchanged base first): chrX-11765677-G-GCAGCAGGACACATCCGC. GRCh37 (hg19) VCF-style: chrX-11783796-G-GCAGCAGGACACATCCGC.
Other names: c.1089_1105dup, p.Met369fs (NM_001193270.2); c.678_694dup, p.Met232fs (NM_001282174.1); c.627_643dup, p.Met215fs (NM_006800.4); c.1125_1141dup, p.Met381fs (NM_078628.2); short protein forms M215fs, M232fs, M369fs, M381fs.
Identifiers: ClinVar variation 985508 (VCV000985508.5), dbSNP rs2053175099, ClinGen allele CA1139667215.